The following is an entry in ClinVar:

NM_031885.5(BBS2):c.1744G>A (p.Val582Ile)

Gene: BBS2 (Bardet-Biedl syndrome 2; minus strand). Cytogenetic location: 16q13.
Variant type: single nucleotide variant.
Coding change: c.1744G>A on transcript NM_031885.5 (MANE Select); coding-DNA position 1744, G replaced by A.
Protein change: p.Val582Ile; replaces valine 582 with isoleucine.
Molecular consequence: missense variant. On other transcripts: non-coding transcript variant (5).
Genome position (GRCh38, 1-based): chr16:56,497,796, C>T on the plus strand (G>A on the coding strand, the complement: BBS2 is on the minus strand). VCF-style: chr16-56497796-C-T. GRCh37 (hg19) VCF-style: chr16-56531708-C-T.
Other names: c.1744G>A, p.Val582Ile (NM_001377456.1); short protein forms V582I.
Identifiers: ClinVar variation 1483792 (VCV001483792.8), dbSNP rs2144132540, ClinGen allele CA395975892.
Genomic context (GRCh38, chr16:56,497,796, plus strand): 5'-CCCTCACCTTAACTAGCACCTTTCGTAATTCCTCAAAATAGACAGGAAAATCCGCTTCTA[C>T]TTGAAGGTCTTCAATAGCAAAAAATGATGCCATTGACTGGATGATATCACCAGCCAAATC-3'
Protein context (NP_114091.4, residues 572-592): ASFFAIEDLQ[Val582Ile]EADFPVYFEE

ClinVar aggregate classification (germline): Uncertain significance (1 of 4 stars; one submission).

Conditions:
Bardet-Biedl syndrome (BBS). Identifiers: Orphanet 110, MedGen C0752166, MONDO:0015229.

Allele frequency attached by ClinVar (database versions not stated): gnomAD exomes below 0.00001.
gnomAD v4.1: 1 of 1,613,382 alleles (0.000062%); highest among the groups gnomAD compares: Non-Finnish European, 0.000085%; no homozygotes.

Submission:

Labcorp Genetics (formerly Invitae), Labcorp
Classification: Uncertain significance for Bardet-Biedl syndrome. Last evaluated: 2024-11-05. Review status: criteria provided, single submitter. Criteria: Invitae Variant Classification Sherloc (09022015). Collection method: clinical testing. Allele origin: germline.
Comment: This sequence change replaces valine, which is neutral and non-polar, with isoleucine, which is neutral and non-polar, at codon 582 of the BBS2 protein (p.Val582Ile). This variant is not present in population databases (gnomAD no frequency). This variant has not been reported in the literature in individuals affected with BBS2-related conditions. ClinVar contains an entry for this variant (Variation ID: 1483792). Invitae Evidence Modeling of protein sequence and biophysical properties (such as structural, functional, and spatial information, amino acid conservation, physicochemical variation, residue mobility, and thermodynamic stability) indicates that this missense variant is expected to disrupt BBS2 protein function with a positive predictive value of 80%. In summary, the available evidence is currently insufficient to determine the role of this variant in disease. Therefore, it has been classified as a Variant of Uncertain Significance.